The following is an entry in ClinVar:

NM_005591.4(MRE11):c.1926+2_1926+5del

Gene: MRE11 (MRE11 double strand break repair nuclease; minus strand). Cytogenetic location: 11q21.
Variant type: Deletion.
Coding change: c.1926+2_1926+5del on transcript NM_005591.4 (MANE Select); the canonical splice donor site of the intron after coding-DNA position 1926 through 5 bases into the intron after coding-DNA position 1926, 4 bases deleted (TAAG; older notation c.1926+2_1926+5delTAAG).
Molecular consequence: splice donor variant.
Genome position (GRCh38, 1-based): chr11:94,437,172-94,437,175, CTTA deleted on the plus strand (TAAG on the coding strand, the reverse complement: MRE11 is on the minus strand); deleting any 4 consecutive bases within chr11:94,437,172-94,437,176 gives the same sequence; the c. name uses the placement nearest the transcript's 3' end. VCF-style (leftmost placement, unchanged base first): chr11-94437171-TCTTA-T. GRCh37 (hg19) VCF-style: chr11-94170337-TCTTA-T.
Other names: c.1923+2_1923+5del (NM_001330347.2); c.1842+2_1842+5del (NM_005590.4); c.1926+2_1926+5delTAAG (NM_005591.3).
Identifiers: ClinVar variation 481772 (VCV000481772.6), dbSNP rs1555002387, ClinGen allele CA658658092.

ClinVar aggregate classification (germline): Likely pathogenic (1 of 4 stars; one submission).

Conditions:
Hereditary cancer-predisposing syndrome. Also called: Neoplastic Syndromes, Hereditary; Tumor predisposition; Hereditary Cancer Syndrome; Hereditary neoplastic syndrome. Identifiers: Orphanet 140162, MedGen C0027672, MeSH D009386, MONDO:0015356.

Submission:

Ambry Genetics
Classification: Likely pathogenic for Hereditary cancer-predisposing syndrome. Last evaluated: 2024-08-05. Review status: criteria provided, single submitter. Criteria: Ambry Variant Classification Scheme 2023. Collection method: clinical testing. Allele origin: germline.
Comment: The c.1926+2_1926+5delTAAG intronic variant results from a deletion of 4 nucleotides (TAAG) between positions 1926+2 and 1926+5 after coding exon 16 of the MRE11A gene. This variant is considered to be rare based on population cohorts in the Genome Aggregation Database (gnomAD). This nucleotide region is highly conserved in available vertebrate species. In silico splice site analysis predicts that this alteration will weaken the native splice donor site. Alterations that disrupt the canonical splice site are expected to cause aberrant splicing, resulting in an abnormal protein or a transcript that is subject to nonsense-mediated mRNA decay. As such, this alteration is classified as likely pathogenic.